The following is an entry in ClinVar:

NM_001943.5(DSG2):c.3206T>C (p.Met1069Thr)

Genes: DSG2 (desmoglein 2; plus strand), DSG2-AS1 (DSG2 antisense RNA 1; minus strand). Cytogenetic location: 18q12.1.
Variant type: single nucleotide variant.
Coding change: c.3206T>C on transcript NM_001943.5 (MANE Select); coding-DNA position 3206, T replaced by C.
Protein change: p.Met1069Thr; replaces methionine 1069 with threonine.
Molecular consequence: missense variant.
Genome position (GRCh38, 1-based): chr18:31,546,592, T>C. VCF-style: chr18-31546592-T-C. GRCh37 (hg19) VCF-style: chr18-29126555-T-C.
Other names: short protein forms M1069T.
Identifiers: ClinVar variation 3680540 (VCV003680540.3).
Genomic context (GRCh38, chr18:31,546,592, plus strand): 5'-GAGTTCTAGCACCTGCTTCCACTCTGCAATCCAGTTACCAGATTCCCACTGAAAATTCTA[T>C]GACGGCTAGGAACACCACGGTGTCTGGAGCTGGAGTCCCTGGCCCTCTGCCAGATTTTGG-3'
Protein context (NP_001934.2, residues 1059-1079): SSYQIPTENS[Met1069Thr]TARNTTVSGA

ClinVar aggregate classification (germline): Uncertain significance. Review status: criteria provided, multiple submitters, no conflicts (2 of 4 stars). 2 submissions from 2 submitters: Uncertain significance (2). Last evaluated 2026-07-28.

Conditions:
Arrhythmogenic right ventricular dysplasia 10. Also called: Arrhythmogenic right ventricular dysplasia/cardiomyopathy, type 10; Arrhythmogenic Right Ventricular Dysplasia/Cardiomyopathy10; ARRHYTHMOGENIC RIGHT VENTRICULAR DYSPLASIA, FAMILIAL, 10. Identifiers: MedGen C1857777, MONDO:0012434, OMIM 610193.
Cardiovascular phenotype. Identifiers: MedGen CN230736.

Submissions (2):

Ambry Genetics
Classification: Uncertain significance for Cardiovascular phenotype. Last evaluated: 2026-07-28. Review status: criteria provided, single submitter. Criteria: Ambry Variant Classification Scheme 2023. Collection method: clinical testing. Allele origin: germline.
Comment: The p.M1069T variant (also known as c.3206T>C), located in coding exon 15 of the DSG2 gene, results from a T to C substitution at nucleotide position 3206. The methionine at codon 1069 is replaced by threonine, an amino acid with similar properties. This amino acid position is conserved. In addition, this alteration is predicted to be tolerated by in silico analysis. Based on the available evidence, the clinical significance of this variant remains unclear.

Labcorp Genetics (formerly Invitae), Labcorp
Classification: Uncertain significance for Arrhythmogenic right ventricular dysplasia 10. Last evaluated: 2025-11-24. Review status: criteria provided, single submitter. Criteria: Invitae Variant Classification Sherloc (09022015). Collection method: clinical testing. Allele origin: germline.
Comment: This sequence change replaces methionine, which is neutral and non-polar, with threonine, which is neutral and polar, at codon 1069 of the DSG2 protein (p.Met1069Thr). This variant is not present in population databases (gnomAD no frequency). This variant has not been reported in the literature in individuals affected with DSG2-related conditions. ClinVar contains an entry for this variant (Variation ID: 3680540). Invitae Evidence Modeling of protein sequence and biophysical properties (such as structural, functional, and spatial information, amino acid conservation, physicochemical variation, residue mobility, and thermodynamic stability) indicates that this missense variant is not expected to disrupt DSG2 protein function with a negative predictive value of 95%. In summary, the available evidence is currently insufficient to determine the role of this variant in disease. Therefore, it has been classified as a Variant of Uncertain Significance.